The following is an entry in ClinVar:

ClinVar aggregate classification (germline): Pathogenic/Likely pathogenic. Review status: criteria provided, multiple submitters, no conflicts (2 of 4 stars). 3 submissions from 3 submitters: Pathogenic (2); Likely pathogenic (1). Last evaluated 2023-04-11.

Conditions:
Hypercholesterolemia, familial, 4 (FHCL4). Also called: HYPERCHOLESTEROLEMIA, AUTOSOMAL RECESSIVE, 1; HYPERCHOLESTEROLEMIA, AUTOSOMAL RECESSIVE, 2. Identifiers: Orphanet 391665, MedGen C1863512, MONDO:0011374, OMIM 603813.

Submissions (3):

Genome-Nilou Lab
Classification: Pathogenic for Hypercholesterolemia, familial, 4. Last evaluated: 2023-04-11. Review status: criteria provided, single submitter. Criteria: ACMG Guidelines, 2015. Collection method: clinical testing. Allele origin: germline. Affected: no.

Centre of Medical Genetics, University Hospital Muenster
Classification: Pathogenic. Last evaluated: 2022-01-20. Review status: criteria provided, single submitter. Criteria: ACMG Guidelines, 2015. Collection method: clinical testing. Allele origin: unknown. Affected: yes. Observed: 1 variant allele, 1 homozygote.
Comment: ACMG categories: PVS1,PM2,PP3

Labcorp Genetics (formerly Invitae), Labcorp
Classification: Likely pathogenic for Hypercholesterolemia, familial, 4. Last evaluated: 2021-08-28. Review status: criteria provided, single submitter. Criteria: Invitae Variant Classification Sherloc (09022015). Collection method: clinical testing. Allele origin: germline.
Comment: This sequence change affects an acceptor splice site in intron 4 of the LDLRAP1 gene. It is expected to disrupt RNA splicing. Variants that disrupt the donor or acceptor splice site typically lead to a loss of protein function (PMID: 16199547), and loss-of-function variants in LDLRAP1 are known to be pathogenic (PMID: 11326085, 12464675). This variant is not present in population databases (ExAC no frequency). This variant has not been reported in the literature in individuals affected with LDLRAP1-related conditions. Algorithms developed to predict the effect of sequence changes on RNA splicing suggest that this variant may disrupt the consensus splice site. In summary, the currently available evidence indicates that the variant is pathogenic, but additional data are needed to prove that conclusively. Therefore, this variant has been classified as Likely Pathogenic.

Literature cited by the submitters: PubMed 16199547 (cited by Labcorp Genetics (formerly Invitae), Labcorp); PubMed 11326085 (cited by Labcorp Genetics (formerly Invitae), Labcorp); PubMed 12464675 (cited by Labcorp Genetics (formerly Invitae), Labcorp).

NM_015627.3(LDLRAP1):c.460-1G>A

Gene: LDLRAP1 (low density lipoprotein receptor adaptor protein 1; plus strand). Cytogenetic location: 1p36.11.
Variant type: single nucleotide variant.
Coding change: c.460-1G>A on transcript NM_015627.3 (MANE Select); the canonical splice acceptor site of the intron before coding-DNA position 460, G replaced by A.
Molecular consequence: splice acceptor variant.
Genome position (GRCh38, 1-based): chr1:25,562,643, G>A. VCF-style: chr1-25562643-G-A. GRCh37 (hg19) VCF-style: chr1-25889134-G-A.
Identifiers: ClinVar variation 1471714 (VCV001471714.10), dbSNP rs2124688583, ClinGen allele CA339073646.
Genomic context (GRCh38, chr1:25,562,643, plus strand): 5'-GCAGACTTGCTCTGCCCTGGCTGACACTGCACCCCTCCCCATCCCCACTTCCTGTTTTCA[G>A]GCACAGGCTGTTACCCTCACCGTAGCCCAGGCCTTCAAAGTCGCCTTTGAGTTTTGGCAG-3'